The following is an entry in ClinVar:

NM_001035.3(RYR2):c.12403C>T (p.Arg4135Cys)

Genes: RYR2 (ryanodine receptor 2; plus strand), LOC126806068 (BRD4-independent group 4 enhancer GRCh37_chr1:237947411-237948610; plus strand). Cytogenetic location: 1q43.
Variant type: single nucleotide variant.
Coding change: c.12403C>T on transcript NM_001035.3 (MANE Select); coding-DNA position 12403, C replaced by T.
Protein change: p.Arg4135Cys; replaces arginine 4135 with cysteine.
Molecular consequence: missense variant.
Genome position (GRCh38, 1-based): chr1:237,784,115, C>T. VCF-style: chr1-237784115-C-T. GRCh37 (hg19) VCF-style: chr1-237947415-C-T.
Other names: c.12403C>T (NM_001035.2); short protein forms R4135C.
Identifiers: ClinVar variation 1486336 (VCV001486336.11), dbSNP rs761039434, ClinGen allele CA085178.

ClinVar aggregate classification (germline): Uncertain significance. Review status: criteria provided, multiple submitters, no conflicts (2 of 4 stars). 3 submissions from 3 submitters: Uncertain significance (3). Last evaluated 2026-08-29.

Conditions:
Cardiovascular phenotype. Identifiers: MedGen CN230736.
Catecholaminergic polymorphic ventricular tachycardia 1. Also called: VENTRICULAR TACHYCARDIA, CATECHOLAMINERGIC POLYMORPHIC, 1, WITH OR WITHOUT ATRIAL DYSFUNCTION AND/OR DILATED CARDIOMYOPATHY; RYR2-Related Catecholaminergic Polymorphic Ventricular Tachycardia; VENTRICULAR TACHYCARDIA, STRESS-INDUCED POLYMORPHIC 1. Identifiers: Orphanet 3286, MedGen C1631597, MONDO:0011484, OMIM 604772.
Catecholaminergic polymorphic ventricular tachycardia (CVPT). Also called: Catecholamine-induced polymorphic ventricular tachycardia. Identifiers: Orphanet 3286, MedGen C5574922, MONDO:0017990.

Allele frequency attached by ClinVar (database versions not stated): gnomAD exomes 0.00001 and below 0.00001; gnomAD 0.00001; TOPMed below 0.00001; ExAC 0.00001.
gnomAD v4.1: 6 of 1,613,840 alleles (0.00037%); highest among the groups gnomAD compares: African/African-American, 0.0013%; no homozygotes.

Submissions (3):

Ambry Genetics
Classification: Uncertain significance for Cardiovascular phenotype. Last evaluated: 2026-08-29. Review status: criteria provided, single submitter. Criteria: Ambry Variant Classification Scheme 2023. Collection method: clinical testing. Allele origin: germline.
Comment: The p.R4135C variant (also known as c.12403C>T), located in coding exon 90 of the RYR2 gene, results from a C to T substitution at nucleotide position 12403. The arginine at codon 4135 is replaced by cysteine, an amino acid with highly dissimilar properties. This amino acid position is conserved. In addition, this alteration is predicted to be deleterious by in silico analysis. Based on the available evidence, the clinical significance of this variant remains unclear.

Labcorp Genetics (formerly Invitae), Labcorp
Classification: Uncertain significance for Catecholaminergic polymorphic ventricular tachycardia 1. Last evaluated: 2024-10-18. Review status: criteria provided, single submitter. Criteria: Invitae Variant Classification Sherloc (09022015). Collection method: clinical testing. Allele origin: germline.
Comment: This sequence change replaces arginine, which is basic and polar, with cysteine, which is neutral and slightly polar, at codon 4135 of the RYR2 protein (p.Arg4135Cys). This variant is present in population databases (rs761039434, gnomAD 0.002%). This variant has not been reported in the literature in individuals affected with RYR2-related conditions. ClinVar contains an entry for this variant (Variation ID: 1486336). Invitae Evidence Modeling of protein sequence and biophysical properties (such as structural, functional, and spatial information, amino acid conservation, physicochemical variation, residue mobility, and thermodynamic stability) indicates that this missense variant is expected to disrupt RYR2 protein function with a positive predictive value of 95%. In summary, the available evidence is currently insufficient to determine the role of this variant in disease. Therefore, it has been classified as a Variant of Uncertain Significance.

All of Us Research Program, National Institutes of Health
Classification: Uncertain significance for Catecholaminergic polymorphic ventricular tachycardia. Last evaluated: 2023-12-13. Review status: criteria provided, single submitter. Criteria: ACMG Guidelines, 2015. Collection method: clinical testing. Allele origin: germline. Inheritance: Autosomal dominant inheritance. Observed: 1 variant allele, 1 heterozygote.
Comment: This missense variant replaces arginine with cysteine at codon 4135 of the RYR2 protein. Computational prediction suggests that this variant may have deleterious impact on protein structure and function (internally defined REVEL score threshold >= 0.7, PMID: 27666373). To our knowledge, functional studies have not been reported for this variant. This variant has not been reported in individuals affected with RYR2-related disorders in the literature. This variant has been identified in 2/280192 chromosomes in the general population by the Genome Aggregation Database (gnomAD). The available evidence is insufficient to determine the role of this variant in disease conclusively. Therefore, this variant is classified as a Variant of Uncertain Significance.

This study involves interpretation of variants in research participants for the purpose of population health screening. Participant phenotype was not available at the time of variant classification. Additional details can be found in publication PMID: 35346344, PMCID: PMC8962531